The following is an entry in ClinVar:

NM_001195263.2(PDZD7):c.685G>A (p.Gly229Ser)

Gene: PDZD7 (PDZ domain containing 7; minus strand). Cytogenetic location: 10q24.31.
Variant type: single nucleotide variant.
Coding change: c.685G>A on transcript NM_001195263.2 (MANE Select); coding-DNA position 685, G replaced by A.
Protein change: p.Gly229Ser; replaces glycine 229 with serine.
Molecular consequence: missense variant.
Genome position (GRCh38, 1-based): chr10:101,022,243, C>T on the plus strand (G>A on the coding strand, the complement: PDZD7 is on the minus strand). VCF-style: chr10-101022243-C-T. GRCh37 (hg19) VCF-style: chr10-102782000-C-T.
Other names: c.685G>A, p.Gly229Ser (NM_001351044.2, NM_024895.5); short protein forms G229S.
Identifiers: ClinVar variation 506264 (VCV000506264.7), dbSNP rs765376342, ClinGen allele CA5654298.
Genomic context (GRCh38, chr10:101,022,243, plus strand): 5'-AAGACACTTCCTGCCTCAGCCCTCACTTGGACACATAGATGCCCAGGCCAAACTCCTTGC[C>T]CCCACGGATGTTGAAGCCCAGGCAGAAGTCGTCGGAGGTTGTGTATAGGTGGACGATGCG-3'
Protein context (NP_001182192.1, residues 219-239): DFCLGFNIRG[Gly229Ser]KEFGLGIYVS

ClinVar aggregate classification (germline): Uncertain significance. Review status: criteria provided, multiple submitters, no conflicts (2 of 4 stars). 2 submissions from 2 submitters: Uncertain significance (2). Last evaluated 2019-11-05.

Allele frequency attached by ClinVar (database versions not stated): gnomAD 0.00001; gnomAD exomes 0.00001 and 0.00002; ExAC 0.00002.

Submissions (2):

GeneDx
Classification: Uncertain significance. Last evaluated: 2019-11-05. Review status: criteria provided, single submitter. Criteria: GeneDx Variant Classification Process June 2021. Collection method: clinical testing. Allele origin: germline. Affected: yes.
Comment: In silico analysis, which includes protein predictors and evolutionary conservation, supports a deleterious effect; Has not been previously published as pathogenic or benign to our knowledge

Laboratory for Molecular Medicine, Mass General Brigham Personalized Medicine
Classification: Uncertain significance. Last evaluated: 2018-01-20. Review status: criteria provided, single submitter. Criteria: LMM Criteria. Collection method: clinical testing. Allele origin: germline. Observed: 1 variant allele.
Comment: The p.Gly229Ser variant in PDZD7 has not been reported in individuals with heari ng loss or Usher syndrome, but has been identified in 4/30782 South Asian chromo somes by the Genome Aggregation Database (gnomAD, rg/; dbSNP rs765376342). Although this variant has been seen in the general popu lation, its frequency is not high enough to rule out a pathogenic role. Computat ional prediction tools and conservation analysis suggest that the p.Gly229Ser va riant may impact the protein, though this information is not predictive enough t o determine pathogenicity. In summary, the clinical significance of the p.Gly229 Ser variant is uncertain. ACMG/AMP Criteria applied: PP3.